The following is an entry in ClinVar:

ClinVar aggregate classification (germline): Likely benign. Review status: criteria provided, multiple submitters, no conflicts (2 of 4 stars). 4 submissions from 4 submitters: Likely benign (3). 1 of the submissions does not count toward it. Last evaluated 2026-10-01.

Conditions:
Inborn genetic diseases. Identifiers: MedGen C0950123, MeSH D030342.
HIVEP2-related disorder. Also called: HIVEP2-related condition.

Allele frequency attached by ClinVar (database versions not stated): ESP Exome Variant Server 0.00008; gnomAD exomes 0.00011 and 0.00030; ExAC 0.00031; gnomAD 0.00049 and 0.00060; TOPMed 0.00049; 1000 Genomes Project 30x 0.00172; 1000 Genomes Project 0.00200.
gnomAD v4.1: 253 of 1,614,118 alleles (0.016%); highest among the groups gnomAD compares: African/African-American, 0.13%; 5 homozygotes.

Submissions (4):

CeGaT Center for Human Genetics Tuebingen
Classification: Likely benign. Last evaluated: 2026-10-01. Review status: criteria provided, single submitter. Criteria: CeGaT Center For Human Genetics Tuebingen Variant Classification Criteria Version 2. Collection method: clinical testing. Allele origin: germline. Affected: yes. Observed: 1 variant allele.
Comment: HIVEP2: BP4, BS1

Ambry Genetics
Classification: Likely benign for Inborn genetic diseases. Last evaluated: 2026-04-17. Review status: criteria provided, single submitter. Criteria: Ambry Variant Classification Scheme 2023. Collection method: clinical testing. Allele origin: germline.

Labcorp Genetics (formerly Invitae), Labcorp
Classification: Likely benign. Last evaluated: 2026-01-24. Review status: criteria provided, single submitter. Criteria: Invitae Variant Classification Sherloc (09022015). Collection method: clinical testing. Allele origin: germline.

PreventionGenetics, part of Exact Sciences
Classification: Likely benign for HIVEP2-related condition. Last evaluated: 2021-08-03. Review status: no assertion criteria provided. Collection method: clinical testing. Allele origin: germline. Not counted in ClinVar's aggregate classification.
Comment: This variant is classified as likely benign based on ACMG/AMP sequence variant interpretation guidelines (Richards et al. 2015 PMID: 25741868, with internal and published modifications).

NM_006734.4(HIVEP2):c.5854G>A (p.Ala1952Thr)

Gene: HIVEP2 (HIVEP zinc finger 2; minus strand). Cytogenetic location: 6q24.2.
Variant type: single nucleotide variant.
Coding change: c.5854G>A on transcript NM_006734.4 (MANE Select); coding-DNA position 5854, G replaced by A.
Protein change: p.Ala1952Thr; replaces alanine 1952 with threonine.
Molecular consequence: missense variant.
Genome position (GRCh38, 1-based): chr6:142,760,434, C>T on the plus strand (G>A on the coding strand, the complement: HIVEP2 is on the minus strand). VCF-style: chr6-142760434-C-T. GRCh37 (hg19) VCF-style: chr6-143081571-C-T.
Other names: short protein forms A1952T.
Identifiers: ClinVar variation 748829 (VCV000748829.12), dbSNP rs140908741, ClinGen allele CA4027796.
Genomic context (GRCh38, chr6:142,760,434, plus strand): 5'-AATAGCTGATCAACGAAGAATGTCCCAGGGAACTATCTGAAGGAACCCCGTGGGGTACGG[C>T]GCCAACATTCACAGGCAAGGAGGAGAATCTAGGAGGCTGAGGACTGGTGCTTCTTGATCT-3'
Protein context (NP_006725.3, residues 1942-1962): RFSSLPVNVG[Ala1952Thr]VPHGVPSDSS